The following is an entry in ClinVar:

ClinVar aggregate classification (germline): Uncertain significance (1 of 4 stars; one submission).

Conditions:
Inborn genetic diseases. Identifiers: MedGen C0950123, MeSH D030342.

Allele frequency attached by ClinVar (database versions not stated): gnomAD exomes below 0.00001.
gnomAD v4.1: 1 of 1,614,126 alleles (0.000062%); highest among the groups gnomAD compares: Non-Finnish European, 0.000085%; no homozygotes.

Submission:

Ambry Genetics
Classification: Uncertain significance for Inborn genetic diseases. Last evaluated: 2021-07-14. Review status: criteria provided, single submitter. Criteria: Ambry Variant Classification Scheme 2023. Collection method: clinical testing. Allele origin: germline.
Comment: The p.D500E variant (also known as c.1500C>G), located in coding exon 16 of the ERCC2 gene, results from a C to G substitution at nucleotide position 1500. The aspartic acid at codon 500 is replaced by glutamic acid, an amino acid with highly similar properties. This amino acid position is conserved. In addition, the in silico prediction for this alteration is inconclusive. Since supporting evidence is limited at this time, the clinical significance of this alteration remains unclear.

NM_000400.4(ERCC2):c.1500C>G (p.Asp500Glu)

Gene: ERCC2 (ERCC excision repair 2, TFIIH core complex helicase subunit; minus strand). Cytogenetic location: 19q13.32.
Variant type: single nucleotide variant.
Coding change: c.1500C>G on transcript NM_000400.4 (MANE Select); coding-DNA position 1500, C replaced by G.
Protein change: p.Asp500Glu; replaces aspartic acid 500 with glutamic acid.
Molecular consequence: missense variant.
Genome position (GRCh38, 1-based): chr19:45,355,708, G>C on the plus strand (C>G on the coding strand, the complement: ERCC2 is on the minus strand). VCF-style: chr19-45355708-G-C. GRCh37 (hg19) VCF-style: chr19-45858966-G-C.
Other names: short protein forms D500E.
Identifiers: ClinVar variation 1774008 (VCV001774008.2), dbSNP rs2514008502, ClinGen allele CA406365932.